The following is an entry in ClinVar:

ClinVar aggregate classification (germline): Likely benign (1 of 4 stars; one submission).

Allele frequency attached by ClinVar (database versions not stated): gnomAD 0.00002; TOPMed 0.00004; ExAC 0.00006; ESP Exome Variant Server 0.00008.

Submission:

CeGaT Center for Human Genetics Tuebingen
Classification: Likely benign. Last evaluated: 2026-05-01. Review status: criteria provided, single submitter. Criteria: CeGaT Center For Human Genetics Tuebingen Variant Classification Criteria Version 2. Collection method: clinical testing. Allele origin: germline. Affected: yes. Observed: 2 variant alleles.
Comment: SHANK3: BP4

NM_001372044.2(SHANK3):c.1482C>G (p.Ser494Arg)

Gene: SHANK3 (SH3 and multiple ankyrin repeat domains 3; plus strand). Cytogenetic location: 22q13.33.
Variant type: single nucleotide variant.
Coding change: c.1482C>G on transcript NM_001372044.2 (MANE Select); coding-DNA position 1482, C replaced by G.
Protein change: p.Ser494Arg; replaces serine 494 with arginine.
Molecular consequence: missense variant.
Genome position (GRCh38, 1-based): chr22:50,695,001, C>G. VCF-style: chr22-50695001-C-G. GRCh37 (hg19) VCF-style: chr22-51133429-C-G.
Other names: c.1257C>G, p.Ser419Arg (NM_033517.1); short protein forms S419R, S494R.
Identifiers: ClinVar variation 2653414 (VCV002653414.24), dbSNP rs369169055, ClinGen allele CA10325493.
Genomic context (GRCh38, chr22:50,695,001, plus strand): 5'-GCTGCTGCTCCAGCGGCTGCAAGAGGAGAAAGATCGTGACCGGGATGCCGACCAGGAGAG[C>G]AACATCAGTGGCCCTTTAGCAGGCAGGGCCGGCCAAAGCAAGATCAGGTAGGAGGGGGCT-3'
Protein context (NP_001358973.1, residues 484-504): KDRDRDADQE[Ser494Arg]NISGPLAGRA